The following is an entry in ClinVar:

NM_000528.4(MAN2B1):c.1012C>T (p.Leu338=)

Gene: MAN2B1 (mannosidase alpha class 2B member 1; minus strand). Cytogenetic location: 19p13.13.
Variant type: single nucleotide variant.
Coding change: c.1012C>T on transcript NM_000528.4 (MANE Select); coding-DNA position 1012, C replaced by T.
Protein change: p.Leu338=; no amino-acid change (leucine 338 retained).
Molecular consequence: synonymous variant.
Genome position (GRCh38, 1-based): chr19:12,661,274, G>A on the plus strand (C>T on the coding strand, the complement: MAN2B1 is on the minus strand). VCF-style: chr19-12661274-G-A. GRCh37 (hg19) VCF-style: chr19-12772088-G-A.
Other names: c.1012C>T, p.Leu338= (NM_001173498.2).
Identifiers: ClinVar variation 2201288 (VCV002201288.25), dbSNP rs143670944, ClinGen allele CA9226640.

ClinVar aggregate classification (germline): Likely benign. Review status: criteria provided, multiple submitters, no conflicts (2 of 4 stars). 2 submissions from 2 submitters: Likely benign (2). Last evaluated 2025-12-16.

Conditions:
Deficiency of alpha-mannosidase (MANSA). Also called: LYSOSOMAL ALPHA-D-MANNOSIDASE DEFICIENCY; Alpha-Mannosidosis; Mannosidosis, alpha-, types I and II. Identifiers: Orphanet 61, MedGen C0024748, MONDO:0009561, OMIM 248500.

Allele frequency attached by ClinVar (database versions not stated): gnomAD 0.00001; TOPMed 0.00001; ExAC 0.00003; gnomAD exomes 0.00003; ESP Exome Variant Server 0.00008.
gnomAD v4.1: 55 of 1,613,234 alleles (0.0034%); highest among the groups gnomAD compares: Non-Finnish European, 0.0042%; no homozygotes.

Submissions (2):

Labcorp Genetics (formerly Invitae), Labcorp
Classification: Likely benign for Deficiency of alpha-mannosidase. Last evaluated: 2025-12-16. Review status: criteria provided, single submitter. Criteria: Invitae Variant Classification Sherloc (09022015). Collection method: clinical testing. Allele origin: germline.

CeGaT Center for Human Genetics Tuebingen
Classification: Likely benign. Last evaluated: 2024-03-01. Review status: criteria provided, single submitter. Criteria: CeGaT Center For Human Genetics Tuebingen Variant Classification Criteria Version 2. Collection method: clinical testing. Allele origin: germline. Affected: yes. Observed: 1 variant allele.
Comment: MAN2B1: BP4